The following is an entry in ClinVar:

ClinVar aggregate classification (germline): Uncertain significance (1 of 4 stars; one submission).

Conditions:
Bloom syndrome (BLM). Also called: Bloom-Torre-Machacek syndrome. Identifiers: Orphanet 125, MedGen C0005859, MONDO:0008876, OMIM 210900.

Submission:

Labcorp Genetics (formerly Invitae), Labcorp
Classification: Uncertain significance for Bloom syndrome. Last evaluated: 2022-02-13. Review status: criteria provided, single submitter. Criteria: Invitae Variant Classification Sherloc (09022015). Collection method: clinical testing. Allele origin: germline.
Comment: In summary, the available evidence is currently insufficient to determine the role of this variant in disease. Therefore, it has been classified as a Variant of Uncertain Significance. Variants that disrupt the consensus splice site are a relatively common cause of aberrant splicing (PMID: 17576681, 9536098). Algorithms developed to predict the effect of sequence changes on RNA splicing suggest that this variant may disrupt the consensus splice site. This variant has not been reported in the literature in individuals affected with BLM-related conditions. This variant is not present in population databases (gnomAD no frequency). This sequence change falls in intron 9 of the BLM gene. It does not directly change the encoded amino acid sequence of the BLM protein. It affects a nucleotide within the consensus splice site.

Literature cited by the submitters: PubMed 17576681; PubMed 9536098.

NM_000057.4(BLM):c.2193+5G>C

Gene: BLM (BLM RecQ like helicase; plus strand). Cytogenetic location: 15q26.1.
Variant type: single nucleotide variant.
Coding change: c.2193+5G>C on transcript NM_000057.4 (MANE Select); 5 bases into the intron after coding-DNA position 2193, G replaced by C.
Molecular consequence: intron variant.
Genome position (GRCh38, 1-based): chr15:90,765,419, G>C. VCF-style: chr15-90765419-G-C. GRCh37 (hg19) VCF-style: chr15-91308649-G-C.
Other names: c.2193+5G>C (NM_001287246.2, NM_001287247.2); c.1068+5G>C (NM_001287248.2).
Identifiers: ClinVar variation 2182561 (VCV002182561.4), dbSNP rs2505442065, ClinGen allele CA2580090540.
Genomic context (GRCh38, chr15:90,765,419, plus strand): 5'-TTTCTCCCTTGAGATCACTTATCGTAGATCAAGTCCAAAAGCTGACTTCCTTGGATGTAA[G>C]TTATAAAAATACTAATAAAAACACGCCTTAGAAACAATTAAATTTCAGTCCTCTGGATAA-3'